The following is an entry in ClinVar:

ClinVar aggregate classification (germline): Uncertain significance (1 of 4 stars; one submission).

Submission:

Ambry Genetics
Classification: Uncertain significance. Last evaluated: 2023-08-16. Review status: criteria provided, single submitter. Criteria: Ambry Variant Classification Scheme 2023. Collection method: clinical testing. Allele origin: germline.
Comment: The c.355_356delGAinsAT variant, located in coding exon 1 of the GALNT12 gene, results from an in-frame deletion of GA and insertion of AT at nucleotide positions 355 to 356. This results in the substitution of the glutamic acid residue for a methionine residue at codon 119, an amino acid with dissimilar properties. This amino acid position is highly conserved in available vertebrate species. The evidence for this gene-disease relationship is limited; therefore, the clinical significance of this alteration is unclear.

NM_024642.5(GALNT12):c.355_356delinsAT (p.Glu119Met)

Gene: GALNT12 (polypeptide N-acetylgalactosaminyltransferase 12; plus strand). Cytogenetic location: 9q22.33.
Variant type: Indel.
Coding change: c.355_356delinsAT on transcript NM_024642.5 (MANE Select); coding-DNA positions 355 to 356, GA replaced by AT.
Protein change: p.Glu119Met; replaces glutamic acid 119 with methionine.
Molecular consequence: missense variant.
Genome position (GRCh38, 1-based): chr9:98,808,053-98,808,054, GA replaced by AT. VCF-style: chr9-98808053-GA-AT. GRCh37 (hg19) VCF-style: chr9-101570335-GA-AT.
Other names: short protein forms E119M.
Identifiers: ClinVar variation 2586463 (VCV002586463.2), dbSNP rs2490456443, ClinGen allele CA2582342010.